The following is an entry in ClinVar:

ClinVar aggregate classification (germline): Likely benign. Review status: criteria provided, multiple submitters, no conflicts (2 of 4 stars). 7 submissions from 7 submitters: Likely benign (4). 3 of the submissions do not count toward it. Last evaluated 2025-12-08.

Conditions:
COL1A2-related disorder. Also called: COL1A2-Related Disorders; COL1A2-related condition.
Cardiovascular phenotype. Identifiers: MedGen CN230736.
Ehlers-Danlos syndrome, classic type, 1 (EDSCL1). Also called: EHLERS-DANLOS SYNDROME, GRAVIS TYPE; EHLERS-DANLOS SYNDROME, SEVERE CLASSIC TYPE; Ehlers-Danlos syndrome, type 1; Ehlers-Danlos Syndrome, Classic Type, COL5A1-Related; EDS I. Identifiers: MedGen C0268335, MONDO:0019567, OMIM 130000.
Osteogenesis imperfecta type I (OI1). Also called: Lobstein disease; Lobstein's Disease; OI, TYPE I; OSTEOGENESIS IMPERFECTA TARDA; OSTEOGENESIS IMPERFECTA WITH BLUE SCLERAE; Classic Non-deforming Osteogenesis Imperfecta with Blue Sclerae. Identifiers: Orphanet 216796, Orphanet 666, MedGen C0023931, MONDO:0008146, OMIM 166200. Disease mechanism: loss of function.

Allele frequency attached by ClinVar (database versions not stated): gnomAD 0.00002 and 0.00017; TOPMed 0.00003; gnomAD exomes 0.00029 and 0.00066; ExAC 0.00076; 1000 Genomes Project 30x 0.00094; 1000 Genomes Project 0.00120.
gnomAD v4.1: 458 of 1,614,114 alleles (0.028%); highest among the groups gnomAD compares: South Asian, 0.48%; 3 homozygotes.

Submissions (7):

Labcorp Genetics (formerly Invitae), Labcorp
Classification: Likely benign for Osteogenesis imperfecta type I; Ehlers-Danlos syndrome, classic type, 1. Last evaluated: 2025-12-08. Review status: criteria provided, single submitter. Criteria: Invitae Variant Classification Sherloc (09022015). Collection method: clinical testing. Allele origin: germline.

Blueprint Genetics
Classification: Likely benign. Last evaluated: 2024-09-03. Review status: criteria provided, single submitter. Criteria: ACMG Guidelines, 2015. Collection method: clinical testing. Allele origin: germline.

Ambry Genetics
Classification: Likely benign for Cardiovascular phenotype. Last evaluated: 2022-12-29. Review status: criteria provided, single submitter. Criteria: Ambry Variant Classification Scheme 2023. Collection method: clinical testing. Allele origin: germline.

GeneDx
Classification: Likely benign. Last evaluated: 2018-03-21. Review status: criteria provided, single submitter. Criteria: GeneDx Variant Classification (06012015). Collection method: clinical testing. Allele origin: germline. Affected: yes.
Comment: This variant is considered likely benign or benign based on one or more of the following criteria: it is a conservative change, it occurs at a poorly conserved position in the protein, it is predicted to be benign by multiple in silico algorithms, and/or has population frequency not consistent with disease.

PreventionGenetics, part of Exact Sciences
Classification: Likely benign for COL1A2-related condition. Last evaluated: 2020-08-07. Review status: no assertion criteria provided. Collection method: clinical testing. Allele origin: germline. Not counted in ClinVar's aggregate classification.
Comment: This variant is classified as likely benign based on ACMG/AMP sequence variant interpretation guidelines (Richards et al. 2015 PMID: 25741868, with internal and published modifications).

Diagnostic Laboratory, Department of Genetics, University Medical Center Groningen
Classification: Likely benign. Review status: no assertion criteria provided. Collection method: clinical testing. Allele origin: germline. Affected: yes. Study: VKGL Data-share Consensus. Not counted in ClinVar's aggregate classification.

Laboratory of Diagnostic Genome Analysis, Leiden University Medical Center (LUMC)
Classification: Likely benign. Review status: no assertion criteria provided. Collection method: clinical testing. Allele origin: germline. Affected: yes. Study: VKGL Data-share Consensus. Not counted in ClinVar's aggregate classification.

NM_000089.4(COL1A2):c.679G>A (p.Ala227Thr)

Gene: COL1A2 (collagen type I alpha 2 chain; plus strand). Cytogenetic location: 7q21.3.
Variant type: single nucleotide variant.
Coding change: c.679G>A on transcript NM_000089.4 (MANE Select); coding-DNA position 679, G replaced by A.
Protein change: p.Ala227Thr; replaces alanine 227 with threonine.
Molecular consequence: missense variant.
Genome position (GRCh38, 1-based): chr7:94,408,222, G>A. VCF-style: chr7-94408222-G-A. GRCh37 (hg19) VCF-style: chr7-94037534-G-A.
Other names: short protein forms A227T.
Identifiers: ClinVar variation 679609 (VCV000679609.19), dbSNP rs375401215, ClinGen allele CA4346767.